The following is an entry in ClinVar:

ClinVar aggregate classification (germline): Conflicting classifications of pathogenicity. Review status: criteria provided, conflicting classifications (1 of 4 stars). 6 submissions from 6 submitters: Uncertain significance (2); Likely benign (4). Last evaluated 2026-04-01.

Conditions:
Inborn genetic diseases. Identifiers: MedGen C0950123, MeSH D030342.
Epidermolysis bullosa simplex 3, localized or generalized intermediate, with BP230 deficiency (EBS3). Also called: Epidermolysis bullosa simplex, autosomal recessive 2; Epidermolysis bullosa simplex due to BP230 deficiency. Identifiers: Orphanet 412181, MedGen C3809470, MONDO:0014180, OMIM 615425.
Hereditary sensory and autonomic neuropathy type 6. Also called: HSAN VI; Neuropathy, hereditary sensory and autonomic, type VI. Identifiers: Orphanet 314381, MedGen C3539003, MONDO:0013839, OMIM 614653.
DST-related disorder. Also called: DST-related condition; DST-related disorders.

Allele frequency attached by ClinVar (database versions not stated): 1000 Genomes Project 30x 0.00031; 1000 Genomes Project 0.00040; gnomAD 0.00057; TOPMed 0.00078; ExAC 0.00080; ESP Exome Variant Server 0.00082.
gnomAD v4.1: 1,486 of 1,613,828 alleles (0.092%); highest among the groups gnomAD compares: Middle Eastern, 0.2%; 3 homozygotes.

Submissions (6):

CeGaT Center for Human Genetics Tuebingen
Classification: Likely benign. Last evaluated: 2026-04-01. Review status: criteria provided, single submitter. Criteria: CeGaT Center For Human Genetics Tuebingen Variant Classification Criteria Version 2. Collection method: clinical testing. Allele origin: germline. Affected: yes. Observed: 4 variant alleles.
Comment: DST: BP4

PreventionGenetics, part of Exact Sciences
Classification: Likely benign for DST-related condition. Last evaluated: 2025-08-06. Review status: criteria provided, single submitter. Criteria: ACMG Guidelines, 2015. Collection method: clinical testing. Allele origin: germline.
Comment: This variant is classified as likely benign based on ACMG/AMP sequence variant interpretation guidelines (Richards et al. 2015 PMID: 25741868, with internal and published modifications).

Mayo Clinic Laboratories, Mayo Clinic
Classification: Likely benign. Last evaluated: 2025-05-07. Review status: criteria provided, single submitter. Criteria: ACMG Guidelines, 2015. Collection method: clinical testing. Allele origin: germline. Observed: 2 variant alleles.
Comment: BS1, BP4

Blueprint Genetics
Classification: Likely benign. Last evaluated: 2024-11-23. Review status: criteria provided, single submitter. Criteria: ACMG Guidelines, 2015. Collection method: clinical testing. Allele origin: germline.

Labcorp Genetics (formerly Invitae), Labcorp
Classification: Uncertain significance for Epidermolysis bullosa simplex 3, localized or generalized intermediate, with BP230 deficiency; Hereditary sensory and autonomic neuropathy type 6. Last evaluated: 2022-10-17. Review status: criteria provided, single submitter. Criteria: Invitae Variant Classification Sherloc (09022015). Collection method: clinical testing. Allele origin: germline.
Comment: The DST gene has multiple clinically relevant transcripts. This variant occurs in alternate transcript NM_015548.4, and corresponds to NM_001723.5:c.*17625A>T in the primary transcript. This sequence change replaces isoleucine, which is neutral and non-polar, with phenylalanine, which is neutral and non-polar, at codon 1392 of the DST protein (p.Ile1392Phe). This variant is present in population databases (rs201249286, gnomAD 0.1%), and has an allele count higher than expected for a pathogenic variant. This variant has not been reported in the literature in individuals affected with DST-related conditions. ClinVar contains an entry for this variant (Variation ID: 663031). Experimental studies and prediction algorithms are not available or were not evaluated, and the functional significance of this variant is currently unknown. In summary, the available evidence is currently insufficient to determine the role of this variant in disease. Therefore, it has been classified as a Variant of Uncertain Significance.

Ambry Genetics
Classification: Uncertain significance for Inborn genetic diseases. Last evaluated: 2021-09-20. Review status: criteria provided, single submitter. Criteria: Ambry Variant Classification Scheme 2023. Collection method: clinical testing. Allele origin: germline.
Comment: The p.I1896F variant (also known as c.5686A>T), located in coding exon 41 of the DST gene, results from an A to T substitution at nucleotide position 5686. The isoleucine at codon 1896 is replaced by phenylalanine, an amino acid with highly similar properties. This amino acid position is not well conserved in available vertebrate species. In addition, this alteration is predicted to be tolerated by in silico analysis. Since supporting evidence is limited at this time, the clinical significance of this alteration remains unclear.

NM_001374736.1(DST):c.12043A>T (p.Ile4015Phe)

Gene: DST (dystonin; minus strand). Cytogenetic location: 6p12.1.
Variant type: single nucleotide variant.
Coding change: c.12043A>T on transcript NM_001374736.1 (MANE Select); coding-DNA position 12043, A replaced by T.
Protein change: p.Ile4015Phe; replaces isoleucine 4015 with phenylalanine.
Molecular consequence: missense variant.
Genome position (GRCh38, 1-based): chr6:56,597,892, T>A on the plus strand (A>T on the coding strand, the complement: DST is on the minus strand). VCF-style: chr6-56597892-T-A. GRCh37 (hg19) VCF-style: chr6-56462690-T-A.
Other names: p.Ile1392Phe; c.5686A>T, p.Ile1896Phe (NM_001144769.5); c.5272A>T, p.Ile1758Phe (NM_001144770.2); c.12043A>T, p.Ile4015Phe (NM_001374722.1); c.11410A>T, p.Ile3804Phe (NM_001374729.1); c.5152A>T, p.Ile1718Phe (NM_001374730.1, NM_001386100.1, NM_183380.4); c.12070A>T, p.Ile4024Phe (NM_001374734.1); c.4174A>T, p.Ile1392Phe (NM_015548.5); short protein forms I1392F, I1758F, I1718F, I1896F, I3804F, I4015F, I4024F.
Identifiers: ClinVar variation 663031 (VCV000663031.55), dbSNP rs201249286, ClinGen allele CA3868528.